The following is an entry in ClinVar:

NM_005866.4(SIGMAR1):c.605C>T (p.Thr202Ile)

Gene: SIGMAR1 (sigma non-opioid intracellular receptor 1; minus strand). Cytogenetic location: 9p13.3.
Variant type: single nucleotide variant.
Coding change: c.605C>T on transcript NM_005866.4 (MANE Select); coding-DNA position 605, C replaced by T.
Protein change: p.Thr202Ile; replaces threonine 202 with isoleucine.
Molecular consequence: missense variant. On other transcripts: 3 prime UTR variant (2), non-coding transcript variant (1), intron variant (1).
Genome position (GRCh38, 1-based): chr9:34,635,699, G>A on the plus strand (C>T on the coding strand, the complement: SIGMAR1 is on the minus strand). VCF-style: chr9-34635699-G-A. GRCh37 (hg19) VCF-style: chr9-34635696-G-A.
Other names: c.605C>T (NM_005866.2); c.305C>T, p.Thr102Ile (NM_001282206.2); c.545C>T, p.Thr182Ile (NM_001282207.2); c.*148C>T (NM_001282208.2); c.*132C>T (NM_001282209.2); c.512C>T, p.Thr171Ile (NM_147157.3); c.446-59C>T (NM_001282205.2); short protein forms T102I, T171I, T182I, T202I.
Identifiers: ClinVar variation 1803430 (VCV001803430.2), dbSNP rs2492809842, ClinGen allele CA373272215.
Genomic context (GRCh38, chr9:34,635,699, plus strand): 5'-TCCTGGCCAAAGAGGTAGGTGGTGAGCTCAAGCCGGAGGCCCCGAGCATAGGAGCGAAGA[G>A]TATAGAAGAGGGTGAGGAAGTCCTGGGTGCTGAAGACAGTGTCGGCCAGCGCGAAGGCCA-3'
Protein context (NP_005857.1, residues 192-212): STQDFLTLFY[Thr202Ile]LRSYARGLRL

ClinVar aggregate classification (germline): Uncertain significance. Review status: criteria provided, multiple submitters, no conflicts (2 of 4 stars). 2 submissions from 2 submitters: Uncertain significance (2). Last evaluated 2025-11-23.

Conditions:
Inborn genetic diseases. Identifiers: MedGen C0950123, MeSH D030342.

Submissions (2):

Ambry Genetics
Classification: Uncertain significance for Inborn genetic diseases. Last evaluated: 2025-11-23. Review status: criteria provided, single submitter. Criteria: Ambry Variant Classification Scheme 2023. Collection method: clinical testing. Allele origin: germline.

GeneDx
Classification: Uncertain significance. Last evaluated: 2022-06-07. Review status: criteria provided, single submitter. Criteria: GeneDx Variant Classification Process June 2021. Collection method: clinical testing. Allele origin: germline. Affected: yes.
Comment: Not observed at significant frequency in large population cohorts (gnomAD); In silico analysis supports that this missense variant has a deleterious effect on protein structure/function; Has not been previously published as pathogenic or benign to our knowledge